The following is an entry in ClinVar:

NM_000532.5(PCCB):c.1475A>G (p.Asn492Ser)

Gene: PCCB (propionyl-CoA carboxylase subunit beta; plus strand). Cytogenetic location: 3q22.3.
Variant type: single nucleotide variant.
Coding change: c.1475A>G on transcript NM_000532.5 (MANE Select); coding-DNA position 1475, A replaced by G.
Protein change: p.Asn492Ser; replaces asparagine 492 with serine.
Molecular consequence: missense variant.
Genome position (GRCh38, 1-based): chr3:136,328,834, A>G. VCF-style: chr3-136328834-A-G. GRCh37 (hg19) VCF-style: chr3-136047676-A-G.
Other names: c.1535A>G, p.Asn512Ser (NM_001178014.2); short protein forms N512S, N492S.
Identifiers: ClinVar variation 1937027 (VCV001937027.2), dbSNP rs200295011, ClinGen allele CA2632200.

ClinVar aggregate classification (germline): Uncertain significance (1 of 4 stars; one submission).

Conditions:
Propionic acidemia (PROP). Also called: GLYCINEMIA, KETOTIC; HYPERGLYCINEMIA WITH KETOACIDOSIS AND LEUKOPENIA; KETOTIC HYPERGLYCINEMIA. Identifiers: Orphanet 35, MedGen C0268579, MONDO:0011628, OMIM 606054, HP:0003571.

Allele frequency attached by ClinVar (database versions not stated): ExAC 0.00002.
gnomAD v4.1: 23 of 1,614,084 alleles (0.0014%); highest among the groups gnomAD compares: Non-Finnish European, 0.0018%; no homozygotes.

Submission:

Labcorp Genetics (formerly Invitae), Labcorp
Classification: Uncertain significance for Propionic acidemia. Last evaluated: 2022-08-01. Review status: criteria provided, single submitter. Criteria: Invitae Variant Classification Sherloc (09022015). Collection method: clinical testing. Allele origin: germline.
Comment: This sequence change replaces asparagine, which is neutral and polar, with serine, which is neutral and polar, at codon 492 of the PCCB protein (p.Asn492Ser). This variant is present in population databases (rs200295011, gnomAD 0.0009%). This variant has not been reported in the literature in individuals affected with PCCB-related conditions. Advanced modeling of protein sequence and biophysical properties (such as structural, functional, and spatial information, amino acid conservation, physicochemical variation, residue mobility, and thermodynamic stability) performed at Invitae indicates that this missense variant is not expected to disrupt PCCB protein function. In summary, the available evidence is currently insufficient to determine the role of this variant in disease. Therefore, it has been classified as a Variant of Uncertain Significance.